The following is an entry in ClinVar:

NM_005120.3(MED12):c.2226+4C>T

Gene: MED12 (mediator complex subunit 12; plus strand). Cytogenetic location: Xq13.1.
Variant type: single nucleotide variant.
Coding change: c.2226+4C>T on transcript NM_005120.3 (MANE Select); 4 bases into the intron after coding-DNA position 2226, C replaced by T.
Molecular consequence: intron variant.
Genome position (GRCh38, 1-based): chrX:71,125,150, C>T. VCF-style: chrX-71125150-C-T. GRCh37 (hg19) VCF-style: chrX-70345000-C-T.
Identifiers: ClinVar variation 4809567 (VCV004809567.1).

ClinVar aggregate classification (germline): Uncertain significance (1 of 4 stars; one submission).

Conditions:
FG syndrome (FGS). Identifiers: MedGen C0220769, MONDO:0002010.

gnomAD v4.1: 1 of 1,210,721 alleles (0.000083%); highest among the groups gnomAD compares: Non-Finnish European, 0.00011%; no homozygotes.

Submission:

Labcorp Genetics (formerly Invitae), Labcorp
Classification: Uncertain significance for FG syndrome. Last evaluated: 2025-12-28. Review status: criteria provided, single submitter. Criteria: Invitae Variant Classification Sherloc (09022015). Collection method: clinical testing. Allele origin: germline.
Comment: This sequence change falls in intron 15 of the MED12 gene. It does not directly change the encoded amino acid sequence of the MED12 protein. It affects a nucleotide within the consensus splice site. This variant is not present in population databases (gnomAD no frequency). This variant has not been reported in the literature in individuals affected with MED12-related conditions. Variants that disrupt the consensus splice site are a relatively common cause of aberrant splicing (PMID: 17576681, 9536098). Algorithms developed to predict the effect of sequence changes on RNA splicing suggest that this variant is not likely to affect RNA splicing. In summary, the available evidence is currently insufficient to determine the role of this variant in disease. Therefore, it has been classified as a Variant of Uncertain Significance.

Literature cited by the submitters: PubMed 17576681; PubMed 9536098.